The following is an entry in ClinVar:

NM_014780.5(CUL7):c.2947C>T (p.Arg983Cys)

Gene: CUL7 (cullin 7; minus strand). Cytogenetic location: 6p21.1.
Variant type: single nucleotide variant.
Coding change: c.2947C>T on transcript NM_014780.5 (MANE Select); coding-DNA position 2947, C replaced by T.
Protein change: p.Arg983Cys; replaces arginine 983 with cysteine.
Molecular consequence: missense variant.
Genome position (GRCh38, 1-based): chr6:43,045,318, G>A on the plus strand (C>T on the coding strand, the complement: CUL7 is on the minus strand). VCF-style: chr6-43045318-G-A. GRCh37 (hg19) VCF-style: chr6-43013056-G-A.
Other names: c.3043C>T, p.Arg1015Cys (NM_001168370.2, NM_001374872.1); c.2947C>T, p.Arg983Cys (NM_001374873.1, NM_001374874.1); c.2947C>T (NM_014780.4); short protein forms R1015C, R983C.
Identifiers: ClinVar variation 1492784 (VCV001492784.8), dbSNP rs147713438, ClinGen allele CA3813638.

ClinVar aggregate classification (germline): Uncertain significance. Review status: criteria provided, multiple submitters, no conflicts (2 of 4 stars). 3 submissions from 3 submitters: Uncertain significance (3). Last evaluated 2025-06-07.

Conditions:
Inborn genetic diseases. Identifiers: MedGen C0950123, MeSH D030342.

Allele frequency attached by ClinVar (database versions not stated): gnomAD exomes 0.00003; ExAC 0.00002; ESP Exome Variant Server 0.00015; gnomAD 0.00004; TOPMed 0.00007.
gnomAD v4.1: 25 of 1,614,086 alleles (0.0015%); highest among the groups gnomAD compares: African/African-American, 0.013%; no homozygotes.

Submissions (3):

Ambry Genetics
Classification: Uncertain significance for Inborn genetic diseases. Last evaluated: 2025-06-07. Review status: criteria provided, single submitter. Criteria: Ambry Variant Classification Scheme 2023. Collection method: clinical testing. Allele origin: germline.

Women's Health and Genetics/Laboratory Corporation of America, LabCorp
Classification: Uncertain significance. Last evaluated: 2023-08-15. Review status: criteria provided, single submitter. Criteria: LabCorp Variant Classification Summary - May 2015. Collection method: clinical testing. Allele origin: germline.
Comment: Variant summary: CUL7 c.2947C>T (p.Arg983Cys) results in a non-conservative amino acid change located in the APC10/DOC domain (IPR004939) of the encoded protein sequence. Three of five in-silico tools predict a benign effect of the variant on protein function. The variant allele was found at a frequency of 2.8e-05 in 251460 control chromosomes. The available data on variant occurrences in the general population are insufficient to allow any conclusion about variant significance. To our knowledge, no occurrence of c.2947C>T in individuals affected with Three M Syndrome 1 and no experimental evidence demonstrating its impact on protein function have been reported. Two submitters have cited clinical-significance assessments for this variant to ClinVar after 2014. All submitters classified the variant as uncertain significance. Based on the evidence outlined above, the variant was classified as uncertain significance.

Labcorp Genetics (formerly Invitae), Labcorp
Classification: Uncertain significance. Last evaluated: 2022-07-25. Review status: criteria provided, single submitter. Criteria: Invitae Variant Classification Sherloc (09022015). Collection method: clinical testing. Allele origin: germline.
Comment: In summary, the available evidence is currently insufficient to determine the role of this variant in disease. Therefore, it has been classified as a Variant of Uncertain Significance. Algorithms developed to predict the effect of missense changes on protein structure and function are either unavailable or do not agree on the potential impact of this missense change (SIFT: "Tolerated"; PolyPhen-2: "Probably Damaging"; Align-GVGD: "Class C0"). ClinVar contains an entry for this variant (Variation ID: 1492784). This variant has not been reported in the literature in individuals affected with CUL7-related conditions. This variant is present in population databases (rs147713438, gnomAD 0.02%). This sequence change replaces arginine, which is basic and polar, with cysteine, which is neutral and slightly polar, at codon 983 of the CUL7 protein (p.Arg983Cys).